The following is an entry in ClinVar:

NM_004006.3(DMD):c.5594G>A (p.Arg1865Lys)

Gene: DMD (dystrophin; minus strand). Cytogenetic location: Xp21.1.
Variant type: single nucleotide variant.
Coding change: c.5594G>A on transcript NM_004006.3 (MANE Select); coding-DNA position 5594, G replaced by A.
Protein change: p.Arg1865Lys; replaces arginine 1865 with lysine.
Molecular consequence: missense variant.
Genome position (GRCh38, 1-based): chrX:32,343,279, C>T on the plus strand (G>A on the coding strand, the complement: DMD is on the minus strand). VCF-style: chrX-32343279-C-T. GRCh37 (hg19) VCF-style: chrX-32361396-C-T.
Other names: c.5570G>A, p.Arg1857Lys (NM_000109.4); c.5582G>A, p.Arg1861Lys (NM_004009.3); c.5225G>A, p.Arg1742Lys (NM_004010.3); c.1571G>A, p.Arg524Lys (NM_004011.4); c.1562G>A, p.Arg521Lys (NM_004012.4); short protein forms R1742K, R1857K, R1861K, R1865K, R521K, R524K.
Identifiers: ClinVar variation 1714151 (VCV001714151.3), dbSNP rs2521868961, ClinGen allele CA412666491.

ClinVar aggregate classification (germline): Uncertain significance (1 of 4 stars; one submission).

Conditions:
Duchenne muscular dystrophy (DMD). Also called: MUSCULAR DYSTROPHY, PSEUDOHYPERTROPHIC PROGRESSIVE, DUCHENNE TYPE; Duchenne Muscular Dystrophy (DMD). Identifiers: Orphanet 98896, MedGen C0013264, MONDO:0010679, OMIM 310200.

Submission:

Labcorp Genetics (formerly Invitae), Labcorp
Classification: Uncertain significance for Duchenne muscular dystrophy. Last evaluated: 2022-07-29. Review status: criteria provided, single submitter. Criteria: Invitae Variant Classification Sherloc (09022015). Collection method: clinical testing. Allele origin: germline.
Comment: This sequence change replaces arginine, which is basic and polar, with lysine, which is basic and polar, at codon 1865 of the DMD protein (p.Arg1865Lys). This variant is not present in population databases (gnomAD no frequency). This variant has not been reported in the literature in individuals affected with DMD-related conditions. Algorithms developed to predict the effect of missense changes on protein structure and function are either unavailable or do not agree on the potential impact of this missense change (SIFT: "Deleterious"; PolyPhen-2: "Benign"; Align-GVGD: "Class C0"). In summary, the available evidence is currently insufficient to determine the role of this variant in disease. Therefore, it has been classified as a Variant of Uncertain Significance.